The following is an entry in ClinVar:

NM_001008537.3(NEXMIF):c.1841C>G (p.Pro614Arg)

Gene: NEXMIF (neurite extension and migration factor; minus strand). Cytogenetic location: Xq13.3.
Variant type: single nucleotide variant.
Coding change: c.1841C>G on transcript NM_001008537.3 (MANE Select); coding-DNA position 1841, C replaced by G.
Protein change: p.Pro614Arg; replaces proline 614 with arginine.
Molecular consequence: missense variant.
Genome position (GRCh38, 1-based): chrX:74,742,716, G>C on the plus strand (C>G on the coding strand, the complement: NEXMIF is on the minus strand). VCF-style: chrX-74742716-G-C. GRCh37 (hg19) VCF-style: chrX-73962551-G-C.
Other names: c.1841C>G (NM_001008537.2); short protein forms P614R.
Identifiers: ClinVar variation 1953800 (VCV001953800.6), dbSNP rs1165543381, ClinGen allele CA413669565.

ClinVar aggregate classification (germline): Conflicting classifications of pathogenicity. Review status: criteria provided, conflicting classifications (1 of 4 stars). 2 submissions from 2 submitters: Uncertain significance (1); Likely benign (1). Last evaluated 2026-03-13.

Allele frequency attached by ClinVar (database versions not stated): gnomAD 0.00001; gnomAD exomes 0.00002.
gnomAD v4.1: 20 of 1,208,820 alleles (0.0017%); highest among the groups gnomAD compares: South Asian, 0.034%; no homozygotes.

Submissions (2):

Ambry Genetics
Classification: Likely benign. Last evaluated: 2026-03-13. Review status: criteria provided, single submitter. Criteria: Ambry Variant Classification Scheme 2023. Collection method: clinical testing. Allele origin: germline.

Labcorp Genetics (formerly Invitae), Labcorp
Classification: Uncertain significance. Last evaluated: 2024-10-24. Review status: criteria provided, single submitter. Criteria: Invitae Variant Classification Sherloc (09022015). Collection method: clinical testing. Allele origin: germline.
Comment: This sequence change replaces proline, which is neutral and non-polar, with arginine, which is basic and polar, at codon 614 of the NEXMIF protein (p.Pro614Arg). This variant is present in population databases (no rsID available, gnomAD 0.005%), including at least one homozygous and/or hemizygous individual. This variant has not been reported in the literature in individuals affected with NEXMIF-related conditions. ClinVar contains an entry for this variant (Variation ID: 1953800). An algorithm developed to predict the effect of missense changes on protein structure and function (PolyPhen-2) suggests that this variant is likely to be tolerated. In summary, the available evidence is currently insufficient to determine the role of this variant in disease. Therefore, it has been classified as a Variant of Uncertain Significance.